The following is an entry in ClinVar:

ClinVar aggregate classification (germline): Pathogenic (1 of 4 stars; one submission).

Conditions:
Baller-Gerold syndrome (BGS). Also called: CRANIOSYNOSTOSIS WITH RADIAL DEFECTS. Identifiers: Orphanet 1225, MedGen C0265308, MONDO:0009039, OMIM 218600.

Submission:

Labcorp Genetics (formerly Invitae), Labcorp
Classification: Pathogenic for Baller-Gerold syndrome. Last evaluated: 2023-09-14. Review status: criteria provided, single submitter. Criteria: Invitae Variant Classification Sherloc (09022015). Collection method: clinical testing. Allele origin: germline.
Comment: For these reasons, this variant has been classified as Pathogenic. This variant has not been reported in the literature in individuals affected with RECQL4-related conditions. This variant is not present in population databases (gnomAD no frequency). This sequence change creates a premature translational stop signal (p.Gln1060Glyfs*32) in the RECQL4 gene. It is expected to result in an absent or disrupted protein product. Loss-of-function variants in RECQL4 are known to be pathogenic (PMID: 12734318, 12952869).

Literature cited by the submitters: PubMed 12734318; PubMed 12952869.

NM_004260.4(RECQL4):c.3178_3185del (p.Gln1060fs)

Gene: RECQL4 (RecQ like helicase 4; minus strand). Cytogenetic location: 8q24.3.
Variant type: Deletion.
Coding change: c.3178_3185del on transcript NM_004260.4 (MANE Select); coding-DNA positions 3178 to 3185, 8 bases deleted (CAGGCCCG; older notation c.3178_3185delCAGGCCCG).
Protein change: p.Gln1060fs; shifts the reading frame from glutamine 1060.
Molecular consequence: frameshift variant. On other transcripts: non-coding transcript variant (3).
Genome position (GRCh38, 1-based): chr8:144,512,195-144,512,202, CGGGCCTG deleted on the plus strand (CAGGCCCG on the coding strand, the reverse complement: RECQL4 is on the minus strand); deleting any 8 consecutive bases within chr8:144,512,195-144,512,203 gives the same sequence; the c. name uses the placement nearest the transcript's 3' end. VCF-style (leftmost placement, unchanged base first): chr8-144512194-CCGGGCCTG-C. GRCh37 (hg19) VCF-style: chr8-145737577-CCGGGCCTG-C.
Other names: c.2884_2891del, p.Gln962fs (NM_001413017.1); c.2980_2987del, p.Gln994fs (NM_001413018.1); c.3253_3260del, p.Gln1085fs (NM_001413019.1); c.3082_3089del, p.Gln1028fs (NM_001413020.1); c.2107_2114del, p.Gln703fs (NM_001413021.1, NM_001413022.1, NM_001413024.1 and 4 more transcripts); c.2182_2189del, p.Gln728fs (NM_001413023.1); c.3049_3056del, p.Gln1017fs (NM_001413025.1); c.2041_2048del, p.Gln681fs (NM_001413027.1, NM_001413030.1, NM_001413032.1); and 9 more; short protein forms Q1016fs, Q1017fs, Q571fs, Q637fs, Q703fs, Q728fs, Q1050fs, Q1060fs.
Identifiers: ClinVar variation 2760586 (VCV002760586.3), dbSNP rs2537978632, ClinGen allele CA2697550236.